The following is an entry in ClinVar:

NM_001348768.2(HECW2):c.3615G>T (p.Glu1205Asp)

Gene: HECW2 (HECT, C2 and WW domain containing E3 ubiquitin protein ligase 2; minus strand). Cytogenetic location: 2q32.3.
Variant type: single nucleotide variant.
Coding change: c.3615G>T on transcript NM_001348768.2 (MANE Select); coding-DNA position 3615, G replaced by T.
Protein change: p.Glu1205Asp; replaces glutamic acid 1205 with aspartic acid.
Molecular consequence: missense variant.
Genome position (GRCh38, 1-based): chr2:196,242,119, C>A on the plus strand (G>T on the coding strand, the complement: HECW2 is on the minus strand). VCF-style: chr2-196242119-C-A. GRCh37 (hg19) VCF-style: chr2-197106843-C-A.
Other names: c.2547G>T, p.Glu849Asp (NM_001304840.3); c.3615G>T, p.Glu1205Asp (NM_020760.4); short protein forms E1205D, E849D.
Identifiers: ClinVar variation 3773947 (VCV003773947.2).

ClinVar aggregate classification (germline): Uncertain significance (1 of 4 stars; one submission).

gnomAD v4.1: 5 of 1,614,064 alleles (0.00031%); highest among the groups gnomAD compares: Non-Finnish European, 0.00042%; no homozygotes.

Submission:

GeneDx
Classification: Uncertain significance. Last evaluated: 2026-08-05. Review status: criteria provided, single submitter. Criteria: GeneDx Variant Classification Process June 2021. Collection method: clinical testing. Allele origin: germline.
Comment: Not observed at significant frequency in large population cohorts (gnomAD); In silico analysis supports that this missense variant has a deleterious effect on protein structure/function; Has not been previously published as pathogenic or benign to our knowledge